The following is an entry in ClinVar:

NM_144499.3(GNAT1):c.443C>T (p.Ala148Val)

Gene: GNAT1 (G protein subunit alpha transducin 1; plus strand). Cytogenetic location: 3p21.31.
Variant type: single nucleotide variant.
Coding change: c.443C>T on transcript NM_144499.3 (MANE Select); coding-DNA position 443, C replaced by T.
Protein change: p.Ala148Val; replaces alanine 148 with valine.
Molecular consequence: missense variant.
Genome position (GRCh38, 1-based): chr3:50,193,657, C>T. VCF-style: chr3-50193657-C-T. GRCh37 (hg19) VCF-style: chr3-50231090-C-T.
Other names: c.443C>T, p.Ala148Val (NM_000172.4); short protein forms A148V.
Identifiers: ClinVar variation 2081954 (VCV002081954.4), dbSNP rs2546144987, ClinGen allele CA352915648.

ClinVar aggregate classification (germline): Uncertain significance (1 of 4 stars; one submission).

Submission:

Labcorp Genetics (formerly Invitae), Labcorp
Classification: Uncertain significance. Last evaluated: 2022-08-22. Review status: criteria provided, single submitter. Criteria: Invitae Variant Classification Sherloc (09022015). Collection method: clinical testing. Allele origin: germline.
Comment: This variant is not present in population databases (gnomAD no frequency). This sequence change replaces alanine, which is neutral and non-polar, with valine, which is neutral and non-polar, at codon 148 of the GNAT1 protein (p.Ala148Val). This variant has not been reported in the literature in individuals affected with GNAT1-related conditions. In summary, the available evidence is currently insufficient to determine the role of this variant in disease. Therefore, it has been classified as a Variant of Uncertain Significance. Algorithms developed to predict the effect of sequence changes on RNA splicing suggest that this variant may create or strengthen a splice site. Algorithms developed to predict the effect of missense changes on protein structure and function (SIFT, PolyPhen-2, Align-GVGD) all suggest that this variant is likely to be disruptive.